The following is an entry in ClinVar:

ClinVar aggregate classification (germline): Uncertain significance. Review status: criteria provided, multiple submitters, no conflicts (2 of 4 stars). 2 submissions from 2 submitters: Uncertain significance (2). Last evaluated 2018-03-30.

Conditions:
Intellectual developmental disorder, X-linked, syndromic, Claes-Jensen type. Also called: INTELLECTUAL DEVELOPMENTAL DISORDER, X-LINKED, SYNDROMIC 16; MENTAL RETARDATION, X-LINKED, SYNDROMIC 16; Syndromic X-linked intellectual disability Claes-Jensen type. Identifiers: Orphanet 85279, MedGen C1845243, MONDO:0010355, OMIM 300534.

Allele frequency attached by ClinVar (database versions not stated): ESP Exome Variant Server 0.00009; gnomAD exomes 0.00001 and 0.00002; TOPMed below 0.00001; ExAC 0.00001.
gnomAD v4.1: 12 of 1,211,415 alleles (0.00099%); highest among the groups gnomAD compares: Admixed American, 0.0043%; no homozygotes.

Submissions (2):

GeneDx
Classification: Uncertain significance. Last evaluated: 2018-03-30. Review status: criteria provided, single submitter. Criteria: GeneDx Variant Classification (06012015). Collection method: clinical testing. Allele origin: germline. Affected: yes.
Comment: The R1212Q variant has not been published as a pathogenic variant, nor has it been reported as a benign variant to our knowledge. It is not observed in large population cohorts (Lek et al., 2016). The R1212Q variant is a semi-conservative amino acid substitution, which may impact secondary protein structure as these residues differ in some properties. In-silico analyses, including protein predictors and evolutionary conservation, support that this variant does not alter protein structure/function. We interpret R1212Q as a variant of uncertain significance.

Neuberg Centre For Genomic Medicine, NCGM
Classification: Uncertain significance for Intellectual developmental disorder, X-linked, syndromic, Claes-Jensen type. Review status: criteria provided, single submitter. Criteria: ACMG Guidelines, 2015. Collection method: clinical testing. Allele origin: germline. Inheritance: X-linked recessive inheritance. Affected: yes.

NM_004187.5(KDM5C):c.3635G>A (p.Arg1212Gln)

Gene: KDM5C (lysine demethylase 5C; minus strand). Cytogenetic location: Xp11.22.
Variant type: single nucleotide variant.
Coding change: c.3635G>A on transcript NM_004187.5 (MANE Select); coding-DNA position 3635, G replaced by A.
Protein change: p.Arg1212Gln; replaces arginine 1212 with glutamine.
Molecular consequence: missense variant. On other transcripts: non-coding transcript variant (3).
Genome position (GRCh38, 1-based): chrX:53,194,542, C>T on the plus strand (G>A on the coding strand, the complement: KDM5C is on the minus strand). VCF-style: chrX-53194542-C-T. GRCh37 (hg19) VCF-style: chrX-53223724-C-T.
Other names: c.3434G>A, p.Arg1145Gln (NM_001146702.2); c.3632G>A, p.Arg1211Gln (NM_001282622.3, NM_001353979.2, NM_001353982.2); c.3635G>A, p.Arg1212Gln (NM_001353978.3, NM_001353981.2, NM_001353984.2); short protein forms R1212Q, R1145Q, R1211Q.
Identifiers: ClinVar variation 449843 (VCV000449843.3), dbSNP rs141544076, ClinGen allele CA10419204.